The following is an entry in ClinVar:

ClinVar aggregate classification (germline): Uncertain significance. Review status: criteria provided, multiple submitters, no conflicts (2 of 4 stars). 3 submissions from 3 submitters: Uncertain significance (2). 1 of the submissions does not count toward it. Last evaluated 2024-11-29.

Conditions:
CREBBP-related disorder. Also called: CREBBP-related condition; CREBBP-related disorders.
Rubinstein-Taybi syndrome (RSTS). Identifiers: Orphanet 783, MedGen C0035934, MONDO:0019188.

Allele frequency attached by ClinVar (database versions not stated): gnomAD exomes below 0.00001.

Submissions (3):

Labcorp Genetics (formerly Invitae), Labcorp
Classification: Uncertain significance for Rubinstein-Taybi syndrome. Last evaluated: 2024-11-29. Review status: criteria provided, single submitter. Criteria: Invitae Variant Classification Sherloc (09022015). Collection method: clinical testing. Allele origin: germline.
Comment: This sequence change replaces lysine, which is basic and polar, with arginine, which is basic and polar, at codon 1620 of the CREBBP protein (p.Lys1620Arg). This variant is not present in population databases (gnomAD no frequency). This variant has not been reported in the literature in individuals affected with CREBBP-related conditions. ClinVar contains an entry for this variant (Variation ID: 2633783). Invitae Evidence Modeling of protein sequence and biophysical properties (such as structural, functional, and spatial information, amino acid conservation, physicochemical variation, residue mobility, and thermodynamic stability) has been performed for this missense variant. However, the output from this modeling did not meet the statistical confidence thresholds required to predict the impact of this variant on CREBBP protein function. In summary, the available evidence is currently insufficient to determine the role of this variant in disease. Therefore, it has been classified as a Variant of Uncertain Significance.

Department of Pathology and Laboratory Medicine, Sinai Health System
Classification: Uncertain significance for Rubinstein-Taybi syndrome. Last evaluated: 2022-04-07. Review status: criteria provided, single submitter. Criteria: ACMG Guidelines, 2015. Collection method: research. Allele origin: germline.

PreventionGenetics, part of Exact Sciences
Classification: Uncertain significance for CREBBP-related condition. Last evaluated: 2024-03-29. Review status: no assertion criteria provided. Collection method: clinical testing. Allele origin: germline. Not counted in ClinVar's aggregate classification.
Comment: The CREBBP c.4859A>G variant is predicted to result in the amino acid substitution p.Lys1620Arg. To our knowledge, this variant has not been reported in the literature or in a large population database, indicating this variant is rare. At this time, the clinical significance of this variant is uncertain due to the absence of conclusive functional and genetic evidence.

NM_004380.3(CREBBP):c.4859A>G (p.Lys1620Arg)

Gene: CREBBP (CREB binding lysine acetyltransferase; minus strand). Cytogenetic location: 16p13.3.
Variant type: single nucleotide variant.
Coding change: c.4859A>G on transcript NM_004380.3 (MANE Select); coding-DNA position 4859, A replaced by G.
Protein change: p.Lys1620Arg; replaces lysine 1620 with arginine.
Molecular consequence: missense variant.
Genome position (GRCh38, 1-based): chr16:3,731,807, T>C on the plus strand (A>G on the coding strand, the complement: CREBBP is on the minus strand). VCF-style: chr16-3731807-T-C. GRCh37 (hg19) VCF-style: chr16-3781808-T-C.
Other names: c.4745A>G, p.Lys1582Arg (NM_001079846.1); short protein forms K1582R, K1620R.
Identifiers: ClinVar variation 2633783 (VCV002633783.5), dbSNP rs2151318930, ClinGen allele CA394559695.